The following is an entry in ClinVar:

ClinVar aggregate classification (germline): Pathogenic (1 of 4 stars; one submission).

Conditions:
Familial thoracic aortic aneurysm and aortic dissection (TAAD). Also called: Thoracic aortic aneurysms and dissections. Identifiers: Orphanet 91387, MedGen C4707243, MONDO:0019625.
Marfan syndrome (MFS). Also called: FBN1-Related Marfan Syndrome; Marfan's syndrome; MARFAN SYNDROME, TYPE I; Marfan syndrome type 1; Marfan syndrome, classic. Identifiers: Orphanet 284963, Orphanet 558, MedGen C0024796, MONDO:0007947, OMIM 154700.

Submission:

Labcorp Genetics (formerly Invitae), Labcorp
Classification: Pathogenic for Marfan syndrome; Familial thoracic aortic aneurysm and aortic dissection. Last evaluated: 2019-02-05. Review status: criteria provided, single submitter. Criteria: Invitae Variant Classification Sherloc (09022015). Collection method: clinical testing. Allele origin: germline.
Comment: For these reasons, this variant has been classified as Pathogenic. Loss-of-function variants in FBN1 are known to be pathogenic (PMID: 17657824, 19293843). This variant has not been reported in the literature in individuals with FBN1-related conditions. This variant is not present in population databases (ExAC no frequency). This sequence change creates a premature translational stop signal (p.Cys250Serfs*81) in the FBN1 gene. It is expected to result in an absent or disrupted protein product.

Literature cited by the submitters: PubMed 17657824; PubMed 19293843.

NM_000138.5(FBN1):c.748_749insCC (p.Cys250fs)

Gene: FBN1 (fibrillin 1; minus strand). Cytogenetic location: 15q21.1.
Variant type: Insertion.
Coding change: c.748_749insCC on transcript NM_000138.5 (MANE Select); coding-DNA positions 748 to 749, CC inserted.
Protein change: p.Cys250fs; shifts the reading frame from cysteine 250.
Molecular consequence: frameshift variant.
Genome position: GRCh38 VCF-style: chr15-48534193-C-CGG. GRCh37 (hg19) VCF-style: chr15-48826390-C-CGG.
Other names: short protein forms C250fs.
Identifiers: ClinVar variation 850087 (VCV000850087.7), dbSNP rs2043996054, ClinGen allele CA916082428.